The following is an entry in ClinVar:

ClinVar aggregate classification (germline): Pathogenic. Review status: criteria provided, multiple submitters, no conflicts (2 of 4 stars). 3 submissions from 3 submitters: Pathogenic (3). Last evaluated 2026-09-16.

Conditions:
GUSB-related disorder. Also called: GUSB-related condition.
Mucopolysaccharidosis type 7 (MPS7). Also called: GUSB DEFICIENCY; SLY SYNDROME; BETA-GLUCURONIDASE DEFICIENCY; MPS VII. Identifiers: Orphanet 584, MedGen C0085132, MONDO:0009662, OMIM 253220.

Allele frequency attached by ClinVar (database versions not stated): gnomAD exomes below 0.00001 and 0.00001; TOPMed 0.00001; ExAC 0.00002; gnomAD 0.00002.
gnomAD v4.1: 9 of 1,614,024 alleles (0.00056%); highest among the groups gnomAD compares: Admixed American, 0.005%; no homozygotes.

Submissions (3):

PreventionGenetics, part of Exact Sciences
Classification: Pathogenic for GUSB-related condition. Last evaluated: 2026-09-16. Review status: criteria provided, single submitter. Criteria: ACMG Guidelines, 2015. Collection method: clinical testing. Allele origin: germline.
Comment: The GUSB c.1244+1G>A variant is predicted to disrupt the GT donor site and interfere with normal splicing. This variant was reported in homozygous state in a fetus with hydrops (as 1270+1G>A, Patient 2, Table 1, Vervoort et al. 1997. PubMed ID: 9099834; Tomatsu et al. 2009. PubMed ID: 19224584). This variant is reported in 0.0085% of alleles in individuals of Latino descent in gnomAD. Variants that disrupt the consensus splice donor site in GUSB are expected to be pathogenic. This variant is interpreted as pathogenic.

Labcorp Genetics (formerly Invitae), Labcorp
Classification: Pathogenic for Mucopolysaccharidosis type 7. Last evaluated: 2023-10-16. Review status: criteria provided, single submitter. Criteria: Invitae Variant Classification Sherloc (09022015). Collection method: clinical testing. Allele origin: germline.
Comment: This sequence change affects a donor splice site in intron 7 of the GUSB gene. It is expected to disrupt RNA splicing. Variants that disrupt the donor or acceptor splice site typically lead to a loss of protein function (PMID: 16199547), and loss-of-function variants in GUSB are known to be pathogenic (PMID: 19224584). This variant is present in population databases (rs765969571, gnomAD 0.009%). Disruption of this splice site has been observed in individual(s) with clinical features of mucopolysaccharidosis type VII and/or fetal hydrops (PMID: 9099834, 19224584). ClinVar contains an entry for this variant (Variation ID: 975000). Algorithms developed to predict the effect of sequence changes on RNA splicing suggest that this variant may disrupt the consensus splice site. For these reasons, this variant has been classified as Pathogenic.

Women's Health and Genetics/Laboratory Corporation of America, LabCorp
Classification: Pathogenic for Mucopolysaccharidosis type 7. Last evaluated: 2020-07-10. Review status: criteria provided, single submitter. Criteria: LabCorp Variant Classification Summary - May 2015. Collection method: clinical testing. Allele origin: germline.
Comment: Variant summary: GUSB c.1244+1G>A is located in a canonical splice-site and is predicted to affect mRNA splicing resulting in a significantly altered protein due to either exon skipping, shortening, or inclusion of intronic material. Several computational tools predict a significant impact on normal splicing: Four predict the variant abolishes a 5 splicing donor site. These predictions are supported by at least one publication (Vervoort_1997) which demonstrated that the variant resulted in skipping of exon 6 and 7 with or without skipping of exon 9. The variant allele was found at a frequency of 8e-06 in 251272 control chromosomes (gnomAD). c.1244+1G>A has been reported in the literature in at least one individual (homozygous) affected with Mucopolysaccharidosis Type VII (Sly Syndrome) (Vervoort_1997). These data indicate that the variant may be associated with disease. No clinical diagnostic laboratories have submitted clinical-significance assessments for this variant to ClinVar after 2014. Based on the evidence outlined above, the variant was classified as pathogenic.

Literature cited by the submitters: PubMed 16199547 (cited by Labcorp Genetics (formerly Invitae), Labcorp); PubMed 19224584 (cited by Labcorp Genetics (formerly Invitae), Labcorp); PubMed 9099834 (cited by Labcorp Genetics (formerly Invitae), Labcorp and Women's Health and Genetics/Laboratory Corporation of America, LabCorp).

NM_000181.4(GUSB):c.1244+1G>A

Gene: GUSB (glucuronidase beta; minus strand). Cytogenetic location: 7q11.21.
Variant type: single nucleotide variant.
Coding change: c.1244+1G>A on transcript NM_000181.4 (MANE Select); the canonical splice donor site of the intron after coding-DNA position 1244, G replaced by A.
Molecular consequence: splice donor variant.
Genome position (GRCh38, 1-based): chr7:65,974,525, C>T on the plus strand (G>A on the coding strand, the complement: GUSB is on the minus strand). VCF-style: chr7-65974525-C-T. GRCh37 (hg19) VCF-style: chr7-65439512-C-T.
Other names: c.587+1G>A (NM_001293105.2); c.674+1G>A (NM_001293104.2); c.806+1G>A (NM_001284290.2).
Identifiers: ClinVar variation 975000 (VCV000975000.8), dbSNP rs765969571, ClinGen allele CA4276345.